The following is an entry in ClinVar:

ClinVar aggregate classification (germline): Uncertain significance (1 of 4 stars; one submission).

Submission:

Ambry Genetics
Classification: Uncertain significance. Last evaluated: 2024-08-11. Review status: criteria provided, single submitter. Criteria: Ambry Variant Classification Scheme 2023. Collection method: clinical testing. Allele origin: germline.
Comment: The p.P647A variant (also known as c.1939C>G), located in coding exon 3 of the ALPK2 gene, results from a C to G substitution at nucleotide position 1939. The proline at codon 647 is replaced by alanine, an amino acid with highly similar properties. This amino acid position is conserved. In addition, this alteration is predicted to be tolerated by in silico analysis. Based on the available evidence, the clinical significance of this variant remains unclear.

NM_052947.4(ALPK2):c.1939C>G (p.Pro647Ala)

Gene: ALPK2 (alpha kinase 2; minus strand). Cytogenetic location: 18q21.31.
Variant type: single nucleotide variant.
Coding change: c.1939C>G on transcript NM_052947.4 (MANE Select); coding-DNA position 1939, C replaced by G.
Protein change: p.Pro647Ala; replaces proline 647 with alanine.
Molecular consequence: missense variant.
Genome position (GRCh38, 1-based): chr18:58,578,837, G>C on the plus strand (C>G on the coding strand, the complement: ALPK2 is on the minus strand). VCF-style: chr18-58578837-G-C. GRCh37 (hg19) VCF-style: chr18-56246069-G-C.
Other names: short protein forms P647A.
Identifiers: ClinVar variation 3531152 (VCV003531152.1).